The following is an entry in ClinVar:

ClinVar aggregate classification (germline): Likely benign (1 of 4 stars; one submission).

gnomAD v4.1: 1 of 1,603,980 alleles (0.000062%); highest among the groups gnomAD compares: Non-Finnish European, 0.000085%; no homozygotes.

Submission:

Women's Health and Genetics/Laboratory Corporation of America, LabCorp
Classification: Likely benign. Last evaluated: 2026-01-20. Review status: criteria provided, single submitter. Criteria: LabCorp Variant Classification Summary - May 2015. Collection method: clinical testing. Allele origin: germline.
Comment: Variant summary: COL6A3 c.1332A>G alters a non-conserved nucleotide resulting in a synonymous change. Consensus agreement among computation tools predict no significant impact on normal splicing. However, these predictions have yet to be confirmed by functional studies. The variant was absent in 239816 control chromosomes. The available data on variant occurrences in the general population are insufficient to allow any conclusion about variant significance. To our knowledge, no occurrence of c.1332A>G in individuals affected with COL6A3-related conditions and no experimental evidence demonstrating its impact on protein function have been reported. No submitters have cited clinical-significance assessments for this variant to ClinVar. Based on the evidence outlined above, the variant was classified as likely benign.

NM_004369.4(COL6A3):c.1332A>G (p.Arg444=)

Gene: COL6A3 (collagen type VI alpha 3 chain; minus strand). Cytogenetic location: 2q37.3.
Variant type: single nucleotide variant.
Coding change: c.1332A>G on transcript NM_004369.4 (MANE Select); coding-DNA position 1332, A replaced by G.
Protein change: p.Arg444=; no amino-acid change (arginine 444 retained).
Molecular consequence: synonymous variant.
Genome position (GRCh38, 1-based): chr2:237,381,480, T>C on the plus strand (A>G on the coding strand, the complement: COL6A3 is on the minus strand). VCF-style: chr2-237381480-T-C. GRCh37 (hg19) VCF-style: chr2-238290123-T-C.
Other names: c.111A>G, p.Arg37= (NM_057164.5, NM_057166.5); c.714A>G, p.Arg238= (NM_057165.5, NM_057167.4).
Identifiers: ClinVar variation 4689202 (VCV004689202.1).